The following is an entry in ClinVar:

ClinVar aggregate classification (germline): Uncertain significance (1 of 4 stars; one submission).

Conditions:
DICER1-related tumor predisposition. Also called: DICER1-related pleuropulmonary blastoma cancer predisposition syndrome; DICER1 syndrome. Identifiers: Orphanet 284343, MedGen C3839822, MONDO:0100216.

Submission:

Labcorp Genetics (formerly Invitae), Labcorp
Classification: Uncertain significance for DICER1-related tumor predisposition. Last evaluated: 2024-08-27. Review status: criteria provided, single submitter. Criteria: Invitae Variant Classification Sherloc (09022015). Collection method: clinical testing. Allele origin: germline.
Comment: This sequence change replaces threonine, which is neutral and polar, with isoleucine, which is neutral and non-polar, at codon 889 of the DICER1 protein (p.Thr889Ile). This variant is not present in population databases (gnomAD no frequency). This variant has not been reported in the literature in individuals affected with DICER1-related conditions. Invitae Evidence Modeling of protein sequence and biophysical properties (such as structural, functional, and spatial information, amino acid conservation, physicochemical variation, residue mobility, and thermodynamic stability) indicates that this missense variant is not expected to disrupt DICER1 protein function with a negative predictive value of 80%. In summary, the available evidence is currently insufficient to determine the role of this variant in disease. Therefore, it has been classified as a Variant of Uncertain Significance.

NM_177438.3(DICER1):c.2666C>T (p.Thr889Ile)

Gene: DICER1 (dicer 1, ribonuclease III; minus strand). Cytogenetic location: 14q32.13.
Variant type: single nucleotide variant.
Coding change: c.2666C>T on transcript NM_177438.3 (MANE Select); coding-DNA position 2666, C replaced by T.
Protein change: p.Thr889Ile; replaces threonine 889 with isoleucine.
Molecular consequence: missense variant. On other transcripts: non-coding transcript variant (6).
Genome position (GRCh38, 1-based): chr14:95,107,746, G>A on the plus strand (C>T on the coding strand, the complement: DICER1 is on the minus strand). VCF-style: chr14-95107746-G-A. GRCh37 (hg19) VCF-style: chr14-95574083-G-A.
Other names: c.2666C>T, p.Thr889Ile (NM_001195573.1, NM_001271282.3, NM_001291628.2 and 12 more transcripts); c.2384C>T, p.Thr795Ile (NM_001395686.1); c.2261C>T, p.Thr754Ile (NM_001395687.1, NM_001395688.1, NM_001395689.1 and 2 more transcripts); c.2099C>T, p.Thr700Ile (NM_001395691.1); c.983C>T, p.Thr328Ile (NM_001395697.1); short protein forms T328I, T700I, T754I, T795I, T889I.
Identifiers: ClinVar variation 3663535 (VCV003663535.2).